The following is an entry in ClinVar:

NM_015047.3(EMC1):c.2077G>A (p.Glu693Lys)

Genes: EMC1 (ER membrane protein complex subunit 1; minus strand), EMC1-AS1 (EMC1 antisense RNA 1; plus strand). Cytogenetic location: 1p36.13.
Variant type: single nucleotide variant.
Coding change: c.2077G>A on transcript NM_015047.3 (MANE Select); coding-DNA position 2077, G replaced by A.
Protein change: p.Glu693Lys; replaces glutamic acid 693 with lysine.
Molecular consequence: missense variant.
Genome position (GRCh38, 1-based): chr1:19,227,438, C>T on the plus strand (G>A on the coding strand, the complement: EMC1 is on the minus strand). VCF-style: chr1-19227438-C-T. GRCh37 (hg19) VCF-style: chr1-19553932-C-T.
Other names: c.2074G>A, p.Glu692Lys (NM_001271428.2, NM_001271427.2); c.2011G>A, p.Glu671Lys (NM_001271429.2); c.2086G>A, p.Glu696Lys (NM_001375820.1); c.2083G>A, p.Glu695Lys (NM_001375821.1); short protein forms E671K, E693K, E696K, E692K, E695K.
Identifiers: ClinVar variation 3656703 (VCV003656703.2).
Genomic context (GRCh38, chr1:19,227,438, plus strand): 5'-TCCCCTTCACCTTGACGATCCGCTGTACTTCTGGGGGAATGGTCAGCTCCCAACTCAGCT[C>T]AGTGGTGAGATCCTAGGGCAGGGGCAAAAAAGCCTGTAATCAGGAGGGTACACTTAGAAC-3'
Protein context (NP_055862.1, residues 683-703): GYRLRKDLTT[Glu693Lys]LSWELTIPPE

ClinVar aggregate classification (germline): Uncertain significance (1 of 4 stars; one submission).

Submission:

Labcorp Genetics (formerly Invitae), Labcorp
Classification: Uncertain significance. Last evaluated: 2024-06-15. Review status: criteria provided, single submitter. Criteria: Invitae Variant Classification Sherloc (09022015). Collection method: clinical testing. Allele origin: germline.
Comment: This sequence change replaces glutamic acid, which is acidic and polar, with lysine, which is basic and polar, at codon 693 of the EMC1 protein (p.Glu693Lys). This variant is not present in population databases (gnomAD no frequency). This variant has not been reported in the literature in individuals affected with EMC1-related conditions. Advanced modeling of protein sequence and biophysical properties (such as structural, functional, and spatial information, amino acid conservation, physicochemical variation, residue mobility, and thermodynamic stability) has been performed at Invitae for this missense variant, however the output from this modeling did not meet the statistical confidence thresholds required to predict the impact of this variant on EMC1 protein function. In summary, the available evidence is currently insufficient to determine the role of this variant in disease. Therefore, it has been classified as a Variant of Uncertain Significance.